The following is an entry in ClinVar:

NM_021870.3(FGG):c.1034A>T (p.Asn345Ile)

Gene: FGG (fibrinogen gamma chain; minus strand). Cytogenetic location: 4q32.1.
Variant type: single nucleotide variant.
Coding change: c.1034A>T on transcript NM_021870.3 (MANE Select); coding-DNA position 1034, A replaced by T.
Protein change: p.Asn345Ile; replaces asparagine 345 with isoleucine.
Molecular consequence: missense variant.
Genome position (GRCh38, 1-based): chr4:154,606,800, T>A on the plus strand (A>T on the coding strand, the complement: FGG is on the minus strand). VCF-style: chr4-154606800-T-A. GRCh37 (hg19) VCF-style: chr4-155527952-T-A.
Other names: c.1034A>T, p.Asn345Ile (NM_000509.6); short protein forms N345I.
Identifiers: ClinVar variation 4994856 (VCV004994856.1).

ClinVar aggregate classification (germline): Uncertain significance (1 of 4 stars; one submission).

Conditions:
FGG-related disorder. Also called: FGG-related condition.

Submission:

PreventionGenetics, part of Exact Sciences
Classification: Uncertain significance for FGG-related condition. Last evaluated: 2026-09-18. Review status: criteria provided, single submitter. Criteria: ACMG Guidelines, 2015. Collection method: clinical testing. Allele origin: germline.
Comment: The FGG c.1034A>T variant is predicted to result in the amino acid substitution p.Asn345Ile. To our knowledge, this variant has not been reported in the literature or in a large population database (gnomAD), indicating this variant is rare. At this time, the clinical significance of this variant is uncertain due to the absence of conclusive functional and genetic evidence.